The following is an entry in ClinVar:

NM_001042492.3(NF1):c.6343C>A (p.Pro2115Thr)

Gene: NF1 (neurofibromin 1; plus strand). Cytogenetic location: 17q11.2.
Variant type: single nucleotide variant.
Coding change: c.6343C>A on transcript NM_001042492.3 (MANE Select); coding-DNA position 6343, C replaced by A.
Protein change: p.Pro2115Thr; replaces proline 2115 with threonine.
Molecular consequence: missense variant.
Genome position (GRCh38, 1-based): chr17:31,336,830, C>A. VCF-style: chr17-31336830-C-A. GRCh37 (hg19) VCF-style: chr17-29663848-C-A.
Other names: c.6280C>A, p.Pro2094Thr (NM_000267.4); short protein forms P2115T, P2094T.
Identifiers: ClinVar variation 1752601 (VCV001752601.3), dbSNP rs2151554894, ClinGen allele CA399012791.
Genomic context (GRCh38, chr17:31,336,830, plus strand): 5'-GATGTGGCAGCTCATCTTCCCTACCTCTTCCACGTTGTTACTTTCTTAGTAGCCACAGGT[C>A]CGCTCTCCCTTAGAGCTTCCACACATGGACTGGTCATTAATATCATTCACTCTCTGTGTA-3'
Protein context (NP_001035957.1, residues 2105-2125): HVVTFLVATG[Pro2115Thr]LSLRASTHGL

ClinVar aggregate classification (germline): Likely pathogenic (1 of 4 stars; one submission).

Conditions:
Cardiovascular phenotype. Identifiers: MedGen CN230736.
Hereditary cancer-predisposing syndrome. Also called: Hereditary Cancer Syndrome; Hereditary neoplastic syndrome; Neoplastic Syndromes, Hereditary; Tumor predisposition. Identifiers: Orphanet 140162, MedGen C0027672, MeSH D009386, MONDO:0015356.

Submission:

Ambry Genetics
Classification: Likely pathogenic for Cardiovascular phenotype; Hereditary cancer-predisposing syndrome. Last evaluated: 2024-10-23. Review status: criteria provided, single submitter. Criteria: Ambry Variant Classification Scheme 2023. Collection method: clinical testing. Allele origin: germline.
Comment: The c.6280C>A variant (also known as p.P2094T), located in coding exon 41 of the NF1 gene, results from a C to A substitution at nucleotide position 6280. The proline at codon 2094 is replaced by threonine, an amino acid with highly similar properties. RNA studies have demonstrated that this alteration results in abnormal splicing in the set of samples tested (Ambry internal data). This variant was not reported in population-based cohorts in the Genome Aggregation Database (gnomAD). This nucleotide position is highly conserved in available vertebrate species. In addition, In silico splice site analysis predicts that this alteration will result in the creation or strengthening of a novel splice donor site. Based on the majority of available evidence to date, this variant is likely to be pathogenic.